The following is an entry in ClinVar:

ClinVar aggregate classification (germline): Likely pathogenic. Review status: criteria provided, multiple submitters, no conflicts (2 of 4 stars). 2 submissions from 2 submitters: Likely pathogenic (2). Last evaluated 2025-01-06.

Conditions:
Arrhythmogenic cardiomyopathy with wooly hair and keratoderma. Also called: Arrhythmogenic cardiomyopathy with woolly hair and keratoderma; Carvajal syndrome; Dilated cardiomyopathy with woolly hair and keratoderma; PALMOPLANTAR KERATODERMA WITH LEFT VENTRICULAR CARDIOMYOPATHY AND WOOLLY HAIR. Identifiers: Orphanet 65282, MedGen C1854063, MONDO:0011581, OMIM 605676.
Arrhythmogenic right ventricular dysplasia 8 (ARVD8). Also called: ARRHYTHMOGENIC RIGHT VENTRICULAR DYSPLASIA, FAMILIAL, 8; ARRHYTHMOGENIC RIGHT VENTRICULAR CARDIOMYOPATHY 8; Arrhythmogenic Right Ventricular Dysplasia/Cardiomyopathy 8. Identifiers: MedGen C1843896, MONDO:0011831, OMIM 607450.

Submissions (2):

Labcorp Genetics (formerly Invitae), Labcorp
Classification: Likely pathogenic for Arrhythmogenic cardiomyopathy with wooly hair and keratoderma; Arrhythmogenic right ventricular dysplasia 8. Last evaluated: 2025-01-06. Review status: criteria provided, single submitter. Criteria: Invitae Variant Classification Sherloc (09022015). Collection method: clinical testing. Allele origin: germline.
Comment: This sequence change affects a donor splice site in intron 16 of the DSP gene. It is expected to disrupt RNA splicing. Variants that disrupt the donor or acceptor splice site typically lead to a loss of protein function (PMID: 16199547), and loss-of-function variants in DSP are known to be pathogenic (PMID: 20716751, 24503780, 25227139). This variant is not present in population databases (gnomAD no frequency). This variant has not been reported in the literature in individuals affected with DSP-related conditions. ClinVar contains an entry for this variant (Variation ID: 390057). Algorithms developed to predict the effect of sequence changes on RNA splicing suggest that this variant may disrupt the consensus splice site. In summary, the currently available evidence indicates that the variant is pathogenic, but additional data are needed to prove that conclusively. Therefore, this variant has been classified as Likely Pathogenic.

GeneDx
Classification: Likely pathogenic. Last evaluated: 2016-10-18. Review status: criteria provided, single submitter. Criteria: GeneDx Variant Classification (06012015). Collection method: clinical testing. Allele origin: germline. Affected: yes.
Comment: The c.2297+1G>A variant in the DSP gene has not been reported previously as a pathogenic variant nor as a benign variant, to our knowledge. This splice site variant destroys the canonical splice donor site in intron 16. It is predicted to cause abnormal gene splicing, either leading to an abnormal message that is subject to nonsense-mediated mRNA decay, or to an abnormal protein product if the message is used for protein translation. The c.2297+1G>A variant was not observed in approximately 6500 individuals of European and African American ancestry in the NHLBI Exome Sequencing Project, indicating it is not a common benign variant in these populations. Splice site variants are known to be pathogenic in the DSP gene associated with arrhythmogenic right ventricular cardiomyopathy (Stenson et al., 2014). Based on the ACMG recommendations for incidental findings, c.2297+1G>A is reportable as an expected pathogenic variant.

Literature cited by the submitters: PubMed 16199547 (cited by Labcorp Genetics (formerly Invitae), Labcorp); PubMed 20716751 (cited by Labcorp Genetics (formerly Invitae), Labcorp); PubMed 24503780 (cited by Labcorp Genetics (formerly Invitae), Labcorp); PubMed 25227139 (cited by Labcorp Genetics (formerly Invitae), Labcorp).

NM_004415.4(DSP):c.2297+1G>A

Gene: DSP (desmoplakin; plus strand). Cytogenetic location: 6p24.3.
Variant type: single nucleotide variant.
Coding change: c.2297+1G>A on transcript NM_004415.4 (MANE Select); the canonical splice donor site of the intron after coding-DNA position 2297, G replaced by A.
Molecular consequence: splice donor variant.
Genome position (GRCh38, 1-based): chr6:7,574,253, G>A. VCF-style: chr6-7574253-G-A. GRCh37 (hg19) VCF-style: chr6-7574486-G-A.
Other names: c.2297+1G>A (NM_001319034.2, NM_001008844.3).
Identifiers: ClinVar variation 390057 (VCV000390057.4), dbSNP rs1057523629, ClinGen allele CA16605140.
Genomic context (GRCh38, chr6:7,574,253, plus strand): 5'-ATTTGGACTATTTCAGAAACTGGAAAATATCAATGGTGTTACAGATGGCTACTTAAATAG[G>A]TAAACTCAGCTAACACTAATCTCATATTTTCCTTTTCTCAAGCTTCTTTTTCTGGGTCTT-3'